The following is an entry in ClinVar:

NM_138694.4(PKHD1):c.1694-1G>C

Gene: PKHD1 (PKHD1 ciliary IPT domain containing fibrocystin/polyductin; minus strand). Cytogenetic location: 6p12.2.
Variant type: single nucleotide variant.
Coding change: c.1694-1G>C on transcript NM_138694.4 (MANE Select); the canonical splice acceptor site of the intron before coding-DNA position 1694, G replaced by C.
Molecular consequence: splice acceptor variant.
Genome position (GRCh38, 1-based): chr6:52,055,730, C>G on the plus strand (G>C on the coding strand, the complement: PKHD1 is on the minus strand). VCF-style: chr6-52055730-C-G. GRCh37 (hg19) VCF-style: chr6-51920528-C-G.
Other names: c.1694-1G>C (NM_170724.3).
Identifiers: ClinVar variation 1468492 (VCV001468492.8), dbSNP rs398124477, ClinGen allele CA364424845.
Genomic context (GRCh38, chr6:52,055,730, plus strand): 5'-TGCCACAGAAGGGCTCCGTCCCACTGGTGAGGTCCCCATCAGAGTTGGAAACTTCTGGGC[C>G]TGGATGCAGTTCAGATAAAATAGAAAGGCAGGCATAGATATTAAAAAAGACAGAGCTTCC-3'

ClinVar aggregate classification (germline): Likely pathogenic (1 of 4 stars; one submission).

Conditions:
Autosomal recessive polycystic kidney disease (ARPKD). Also called: AR polycystic kidney disease. Identifiers: Orphanet 731, Orphanet 8378, MedGen C0085548, MeSH D017044, MONDO:0009889.

Submission:

Labcorp Genetics (formerly Invitae), Labcorp
Classification: Likely pathogenic for Autosomal recessive polycystic kidney disease. Last evaluated: 2021-03-22. Review status: criteria provided, single submitter. Criteria: Invitae Variant Classification Sherloc (09022015). Collection method: clinical testing. Allele origin: germline.
Comment: In summary, the currently available evidence indicates that the variant is pathogenic, but additional data are needed to prove that conclusively. Therefore, this variant has been classified as Likely Pathogenic. Algorithms developed to predict the effect of sequence changes on RNA splicing suggest that this variant may disrupt the consensus splice site, but this prediction has not been confirmed by published transcriptional studies. This variant has not been reported in the literature in individuals with PKHD1-related conditions. This variant is not present in population databases (ExAC no frequency). This sequence change affects an acceptor splice site in intron 18 of the PKHD1 gene. It is expected to disrupt RNA splicing. Variants that disrupt the donor or acceptor splice site typically lead to a loss of protein function (PMID: 16199547), and loss-of-function variants in PKHD1 are known to be pathogenic (PMID: 19940839).

Literature cited by the submitters: PubMed 16199547; PubMed 19940839.